The following is an entry in ClinVar:

ClinVar aggregate classification (germline): Uncertain significance (1 of 4 stars; one submission).

Submission:

Labcorp Genetics (formerly Invitae), Labcorp
Classification: Uncertain significance. Last evaluated: 2025-01-06. Review status: criteria provided, single submitter. Criteria: Invitae Variant Classification Sherloc (09022015). Collection method: clinical testing. Allele origin: germline.
Comment: This sequence change replaces asparagine, which is neutral and polar, with lysine, which is basic and polar, at codon 206 of the SLC1A2 protein (p.Asn206Lys). This variant is not present in population databases (gnomAD no frequency). This variant has not been reported in the literature in individuals affected with SLC1A2-related conditions. ClinVar contains an entry for this variant (Variation ID: 1474571). Invitae Evidence Modeling of protein sequence and biophysical properties (such as structural, functional, and spatial information, amino acid conservation, physicochemical variation, residue mobility, and thermodynamic stability) indicates that this missense variant is not expected to disrupt SLC1A2 protein function with a negative predictive value of 80%. In summary, the available evidence is currently insufficient to determine the role of this variant in disease. Therefore, it has been classified as a Variant of Uncertain Significance.

NM_004171.4(SLC1A2):c.618C>A (p.Asn206Lys)

Gene: SLC1A2 (solute carrier family 1 member 2; minus strand). Cytogenetic location: 11p13.
Variant type: single nucleotide variant.
Coding change: c.618C>A on transcript NM_004171.4 (MANE Select); coding-DNA position 618, C replaced by A.
Protein change: p.Asn206Lys; replaces asparagine 206 with lysine.
Molecular consequence: missense variant.
Genome position (GRCh38, 1-based): chr11:35,306,186, G>T on the plus strand (C>A on the coding strand, the complement: SLC1A2 is on the minus strand). VCF-style: chr11-35306186-G-T. GRCh37 (hg19) VCF-style: chr11-35327733-G-T.
Other names: c.591C>A, p.Asn197Lys (NM_001195728.3, NM_001252652.2); short protein forms N197K, N206K.
Identifiers: ClinVar variation 1474571 (VCV001474571.8), dbSNP rs370702480, ClinGen allele CA380127916.